The following is an entry in ClinVar:

ClinVar aggregate classification (germline): Uncertain significance (1 of 4 stars; one submission).

Conditions:
Cardiovascular phenotype. Identifiers: MedGen CN230736.

Submission:

Ambry Genetics
Classification: Uncertain significance for Cardiovascular phenotype. Last evaluated: 2025-06-07. Review status: criteria provided, single submitter. Criteria: Ambry Variant Classification Scheme 2023. Collection method: clinical testing. Allele origin: germline.
Comment: The p.P674S variant (also known as c.2020C>T), located in coding exon 12 of the EPHB4 gene, results from a C to T substitution at nucleotide position 2020. The proline at codon 674 is replaced by serine, an amino acid with similar properties. This amino acid position is conserved. In addition, the in silico prediction for this alteration is inconclusive. Based on the available evidence, the clinical significance of this variant remains unclear.

NM_004444.5(EPHB4):c.2020C>T (p.Pro674Ser)

Gene: EPHB4 (EPH receptor B4; minus strand). Cytogenetic location: 7q22.1.
Variant type: single nucleotide variant.
Coding change: c.2020C>T on transcript NM_004444.5 (MANE Select); coding-DNA position 2020, C replaced by T.
Protein change: p.Pro674Ser; replaces proline 674 with serine.
Molecular consequence: missense variant.
Genome position (GRCh38, 1-based): chr7:100,812,845, G>A on the plus strand (C>T on the coding strand, the complement: EPHB4 is on the minus strand). VCF-style: chr7-100812845-G-A. GRCh37 (hg19) VCF-style: chr7-100410467-G-A.
Other names: short protein forms P674S.
Identifiers: ClinVar variation 4018820 (VCV004018820.1).